The following is an entry in ClinVar:

NM_182972.3(IRF2BP2):c.1285A>T (p.Ile429Phe)

Gene: IRF2BP2 (interferon regulatory factor 2 binding protein 2; minus strand). Cytogenetic location: 1q42.3.
Variant type: single nucleotide variant.
Coding change: c.1285A>T on transcript NM_182972.3 (MANE Select); coding-DNA position 1285, A replaced by T.
Protein change: p.Ile429Phe; replaces isoleucine 429 with phenylalanine.
Molecular consequence: missense variant.
Genome position (GRCh38, 1-based): chr1:234,607,616, T>A on the plus strand (A>T on the coding strand, the complement: IRF2BP2 is on the minus strand). VCF-style: chr1-234607616-T-A. GRCh37 (hg19) VCF-style: chr1-234743362-T-A.
Other names: c.1237A>T, p.Ile413Phe (NM_001077397.1); short protein forms I413F, I429F.
Identifiers: ClinVar variation 2629048 (VCV002629048.2), dbSNP rs778861722, ClinGen allele CA1461602.

ClinVar aggregate classification (germline): Uncertain significance (0 of 4 stars; one submission).

Conditions:
IRF2BP2-related disorder. Also called: IRF2BP2-related condition.

Allele frequency attached by ClinVar (database versions not stated): gnomAD exomes below 0.00001; TOPMed below 0.00001; ExAC 0.00002.

Submission:

PreventionGenetics, part of Exact Sciences
Classification: Uncertain significance for IRF2BP2-related condition. Last evaluated: 2024-09-10. Review status: no assertion criteria provided. Collection method: clinical testing. Allele origin: germline.
Comment: The IRF2BP2 c.1285A>T variant is predicted to result in the amino acid substitution p.Ile429Phe. To our knowledge, this variant has not been reported in the literature. This variant is reported in 0.0058% of alleles in individuals of Latino descent in gnomAD. At this time, the clinical significance of this variant is uncertain due to the absence of conclusive functional and genetic evidence.